The following is an entry in ClinVar:

ClinVar aggregate classification (germline): Uncertain significance (1 of 4 stars; one submission).

Submission:

Labcorp Genetics (formerly Invitae), Labcorp
Classification: Uncertain significance. Last evaluated: 2024-10-17. Review status: criteria provided, single submitter. Criteria: Invitae Variant Classification Sherloc (09022015). Collection method: clinical testing. Allele origin: germline.
Comment: This sequence change replaces glutamine, which is neutral and polar, with proline, which is neutral and non-polar, at codon 1832 of the DCHS1 protein (p.Gln1832Pro). This variant is not present in population databases (gnomAD no frequency). This variant has not been reported in the literature in individuals affected with DCHS1-related conditions. Invitae Evidence Modeling of protein sequence and biophysical properties (such as structural, functional, and spatial information, amino acid conservation, physicochemical variation, residue mobility, and thermodynamic stability) indicates that this missense variant is not expected to disrupt DCHS1 protein function with a negative predictive value of 95%. In summary, the available evidence is currently insufficient to determine the role of this variant in disease. Therefore, it has been classified as a Variant of Uncertain Significance.

NM_003737.4(DCHS1):c.5495A>C (p.Gln1832Pro)

Gene: DCHS1 (dachsous cadherin-related 1; minus strand). Cytogenetic location: 11p15.4.
Variant type: single nucleotide variant.
Coding change: c.5495A>C on transcript NM_003737.4 (MANE Select); coding-DNA position 5495, A replaced by C.
Protein change: p.Gln1832Pro; replaces glutamine 1832 with proline.
Molecular consequence: missense variant.
Genome position (GRCh38, 1-based): chr11:6,627,544, T>G on the plus strand (A>C on the coding strand, the complement: DCHS1 is on the minus strand). VCF-style: chr11-6627544-T-G. GRCh37 (hg19) VCF-style: chr11-6648775-T-G.
Other names: short protein forms Q1832P.
Identifiers: ClinVar variation 2792796 (VCV002792796.3), dbSNP rs2493819570, ClinGen allele CA379394665.